The following is an entry in ClinVar:

NM_001130438.3(SPTAN1):c.4822G>A (p.Ala1608Thr)

Gene: SPTAN1 (spectrin alpha, non-erythrocytic 1; plus strand). Cytogenetic location: 9q34.11.
Variant type: single nucleotide variant.
Coding change: c.4822G>A on transcript NM_001130438.3 (MANE Select); coding-DNA position 4822, G replaced by A.
Protein change: p.Ala1608Thr; replaces alanine 1608 with threonine.
Molecular consequence: missense variant.
Genome position (GRCh38, 1-based): chr9:128,611,762, G>A. VCF-style: chr9-128611762-G-A. GRCh37 (hg19) VCF-style: chr9-131374041-G-A.
Other names: c.4747G>A, p.Ala1583Thr (NM_001195532.2); c.4822G>A, p.Ala1608Thr (NM_001363759.2, NM_001375310.1, NM_001375311.2 and 1 more transcripts); c.4762G>A, p.Ala1588Thr (NM_001363765.2, NM_001375314.2); c.4858G>A, p.Ala1620Thr (NM_001375312.2, NM_001375318.1); c.4807G>A, p.Ala1603Thr (NM_003127.4); short protein forms A1583T, A1588T, A1603T, A1608T, A1620T.
Identifiers: ClinVar variation 1370542 (VCV001370542.7), dbSNP rs775707176, ClinGen allele CA5265309.

ClinVar aggregate classification (germline): Uncertain significance (1 of 4 stars; one submission).

Conditions:
Early-infantile DEE. Also called: Early infantile epileptic encephalopathy with suppression bursts; Early infantile epileptic encephalopathy; Ohtahara syndrome. Identifiers: Orphanet 1934, MedGen C0393706, MONDO:0800491.

Allele frequency attached by ClinVar (database versions not stated): gnomAD exomes below 0.00001 and 0.00002; TOPMed below 0.00001; ExAC 0.00001; gnomAD 0.00002.
gnomAD v4.1: 27 of 1,613,986 alleles (0.0017%); highest among the groups gnomAD compares: Non-Finnish European, 0.0021%; no homozygotes.

Submission:

Labcorp Genetics (formerly Invitae), Labcorp
Classification: Uncertain significance for Early-infantile DEE. Last evaluated: 2024-11-16. Review status: criteria provided, single submitter. Criteria: Invitae Variant Classification Sherloc (09022015). Collection method: clinical testing. Allele origin: germline.
Comment: This sequence change replaces alanine, which is neutral and non-polar, with threonine, which is neutral and polar, at codon 1608 of the SPTAN1 protein (p.Ala1608Thr). This variant is present in population databases (rs775707176, gnomAD 0.004%). This variant has not been reported in the literature in individuals affected with SPTAN1-related conditions. ClinVar contains an entry for this variant (Variation ID: 1370542). Invitae Evidence Modeling of protein sequence and biophysical properties (such as structural, functional, and spatial information, amino acid conservation, physicochemical variation, residue mobility, and thermodynamic stability) has been performed for this missense variant. However, the output from this modeling did not meet the statistical confidence thresholds required to predict the impact of this variant on SPTAN1 protein function. In summary, the available evidence is currently insufficient to determine the role of this variant in disease. Therefore, it has been classified as a Variant of Uncertain Significance.